The following is an entry in ClinVar:

NM_004839.4(HOMER2):c.672A>T (p.Gln224His)

Gene: HOMER2 (homer scaffold protein 2; minus strand). Cytogenetic location: 15q25.2.
Variant type: single nucleotide variant.
Coding change: c.672A>T on transcript NM_004839.4 (MANE Select); coding-DNA position 672, A replaced by T.
Protein change: p.Gln224His; replaces glutamine 224 with histidine.
Molecular consequence: missense variant.
Genome position (GRCh38, 1-based): chr15:82,852,232, T>A on the plus strand (A>T on the coding strand, the complement: HOMER2 is on the minus strand). VCF-style: chr15-82852232-T-A. GRCh37 (hg19) VCF-style: chr15-83520984-T-A.
Other names: c.705A>T, p.Gln235His (NM_199330.3); short protein forms Q224H, Q235H.
Identifiers: ClinVar variation 1715740 (VCV001715740.5), dbSNP rs1239961151, ClinGen allele CA393320486.

ClinVar aggregate classification (germline): Uncertain significance (1 of 4 stars; one submission).

Submission:

Labcorp Genetics (formerly Invitae), Labcorp
Classification: Uncertain significance. Last evaluated: 2022-08-08. Review status: criteria provided, single submitter. Criteria: Invitae Variant Classification Sherloc (09022015). Collection method: clinical testing. Allele origin: germline.
Comment: This variant has not been reported in the literature in individuals affected with HOMER2-related conditions. In summary, the available evidence is currently insufficient to determine the role of this variant in disease. Therefore, it has been classified as a Variant of Uncertain Significance. Algorithms developed to predict the effect of missense changes on protein structure and function are either unavailable or do not agree on the potential impact of this missense change (SIFT: "Tolerated"; PolyPhen-2: "Possibly Damaging"; Align-GVGD: "Class C0"). This variant is present in population databases (no rsID available, gnomAD 0.003%). This sequence change replaces glutamine, which is neutral and polar, with histidine, which is basic and polar, at codon 224 of the HOMER2 protein (p.Gln224His).